The following is an entry in ClinVar:

ClinVar aggregate classification (germline): Uncertain significance (1 of 4 stars; one submission).

Conditions:
Inborn genetic diseases. Identifiers: MedGen C0950123, MeSH D030342.

Submission:

Ambry Genetics
Classification: Uncertain significance for Inborn genetic diseases. Last evaluated: 2024-01-24. Review status: criteria provided, single submitter. Criteria: Ambry Variant Classification Scheme 2023. Collection method: clinical testing. Allele origin: germline.
Comment: The c.1734_1766del33 (p.G582_R592del) alteration, located in coding exon 11 of the SRRM2 gene, results from an in-frame deletion of 33 nucleotides at positions c.1734 to c.1766. This results in the deletion of 11 amino acids between codons 582 and 592. This variant was not reported in population-based cohorts in the Genome Aggregation Database (gnomAD). This amino acid position is not well conserved in available vertebrate species. This alteration is predicted to be deleterious by in silico analysis (Choi, 2012). Based on insufficient or conflicting evidence, the clinical significance of this alteration remains unclear.

NM_016333.4(SRRM2):c.1734_1766del (p.571GRSRSRTPARR[1])

Gene: SRRM2 (serine/arginine repetitive matrix 2; plus strand). Cytogenetic location: 16p13.3.
Variant type: Deletion.
Coding change: c.1734_1766del on transcript NM_016333.4 (MANE Select); coding-DNA positions 1734 to 1766, 33 bases deleted.
Protein change: p.571GRSRSRTPARR[1].
Molecular consequence: inframe deletion.
Genome position (GRCh38, 1-based): chr16:2,762,262-2,762,294, 33 bases deleted; deleting any 33 consecutive bases within chr16:2,762,251-2,762,294 gives the same sequence; the c. name uses the placement nearest the transcript's 3' end. GRCh37 (hg19): chr16:2,812,263-2,812,295.
Identifiers: ClinVar variation 3170107 (VCV003170107.1), dbSNP rs767121055, ClinGen allele CA7847346.